The following is an entry in ClinVar:

NM_013372.7(GREM1):c.463A>T (p.Thr155Ser)

Gene: GREM1 (gremlin 1, DAN family BMP antagonist; plus strand). Cytogenetic location: 15q13.3.
Variant type: single nucleotide variant.
Coding change: c.463A>T on transcript NM_013372.7 (MANE Select); coding-DNA position 463, A replaced by T.
Protein change: p.Thr155Ser; replaces threonine 155 with serine.
Molecular consequence: missense variant.
Genome position (GRCh38, 1-based): chr15:32,731,153, A>T. VCF-style: chr15-32731153-A-T. GRCh37 (hg19) VCF-style: chr15-33023354-A-T.
Other names: c.253A>T, p.Thr85Ser (NM_001191322.2); c.340A>T, p.Thr114Ser (NM_001191323.2); c.463A>T, p.Thr155Ser (NM_001368719.1); short protein forms T155S, T85S, T114S.
Identifiers: ClinVar variation 3282662 (VCV003282662.1).

ClinVar aggregate classification (germline): Uncertain significance (1 of 4 stars; one submission).

Conditions:
Hereditary cancer-predisposing syndrome. Also called: Tumor predisposition; Hereditary Cancer Syndrome; Hereditary neoplastic syndrome; Neoplastic Syndromes, Hereditary. Identifiers: Orphanet 140162, MedGen C0027672, MeSH D009386, MONDO:0015356.

Submission:

Ambry Genetics
Classification: Uncertain significance for Hereditary cancer-predisposing syndrome. Last evaluated: 2024-04-25. Review status: criteria provided, single submitter. Criteria: Ambry Variant Classification Scheme 2023. Collection method: clinical testing. Allele origin: germline.
Comment: The p.T155S variant (also known as c.463A>T), located in coding exon 1 of the GREM1 gene, results from an A to T substitution at nucleotide position 463. The threonine at codon 155 is replaced by serine, an amino acid with similar properties. This amino acid position is conserved. In addition, the in silico prediction for this alteration is inconclusive. Based on the available evidence, the clinical significance of this variant remains unclear.